The following is an entry in ClinVar:

NM_004304.5(ALK):c.3818T>A (p.Met1273Lys)

Gene: ALK (ALK receptor tyrosine kinase; minus strand). Cytogenetic location: 2p23.2.
Variant type: single nucleotide variant.
Coding change: c.3818T>A on transcript NM_004304.5 (MANE Select); coding-DNA position 3818, T replaced by A.
Protein change: p.Met1273Lys; replaces methionine 1273 with lysine.
Molecular consequence: missense variant.
Genome position (GRCh38, 1-based): chr2:29,209,804, A>T on the plus strand (T>A on the coding strand, the complement: ALK is on the minus strand). VCF-style: chr2-29209804-A-T. GRCh37 (hg19) VCF-style: chr2-29432670-A-T.
Other names: c.614T>A, p.Met205Lys (NM_001353765.2); short protein forms M1273K, M205K.
Identifiers: ClinVar variation 4674108 (VCV004674108.1).

ClinVar aggregate classification (germline): Uncertain significance (1 of 4 stars; one submission).

Conditions:
Hereditary cancer-predisposing syndrome. Also called: Neoplastic Syndromes, Hereditary; Tumor predisposition; Hereditary Cancer Syndrome; Hereditary neoplastic syndrome. Identifiers: Orphanet 140162, MedGen C0027672, MeSH D009386, MONDO:0015356.

Submission:

Ambry Genetics
Classification: Uncertain significance for Hereditary cancer-predisposing syndrome. Last evaluated: 2025-10-06. Review status: criteria provided, single submitter. Criteria: Ambry Variant Classification Scheme 2023. Collection method: clinical testing. Allele origin: germline.
Comment: The p.M1273K variant (also known as c.3818T>A), located in coding exon 25 of the ALK gene, results from a T to A substitution at nucleotide position 3818. The methionine at codon 1273 is replaced by lysine, an amino acid with similar properties. This amino acid position is conserved. In addition, this alteration is predicted to be deleterious by in silico analysis. Based on the available evidence, the clinical significance of this variant remains unclear.